The following is an entry in ClinVar:

ClinVar aggregate classification (germline): Uncertain significance (1 of 4 stars; one submission).

Conditions:
Werner syndrome (WRN). Identifiers: Orphanet 902, MedGen C0043119, MONDO:0010196, OMIM 277700.

Allele frequency attached by ClinVar (database versions not stated): gnomAD exomes below 0.00001.
gnomAD v4.1: 2 of 1,611,164 alleles (0.00012%); highest among the groups gnomAD compares: Non-Finnish European, 0.00017%; no homozygotes.

Submission:

Labcorp Genetics (formerly Invitae), Labcorp
Classification: Uncertain significance for Werner syndrome. Last evaluated: 2024-06-04. Review status: criteria provided, single submitter. Criteria: Invitae Variant Classification Sherloc (09022015). Collection method: clinical testing. Allele origin: germline.
Comment: This sequence change replaces serine, which is neutral and polar, with threonine, which is neutral and polar, at codon 905 of the WRN protein (p.Ser905Thr). This variant is not present in population databases (gnomAD no frequency). This variant has not been reported in the literature in individuals affected with WRN-related conditions. ClinVar contains an entry for this variant (Variation ID: 528174). An algorithm developed to predict the effect of missense changes on protein structure and function (PolyPhen-2) suggests that this variant is likely to be disruptive. In summary, the available evidence is currently insufficient to determine the role of this variant in disease. Therefore, it has been classified as a Variant of Uncertain Significance.

NM_000553.6(WRN):c.2713T>A (p.Ser905Thr)

Gene: WRN (WRN RecQ like helicase; plus strand). Cytogenetic location: 8p12.
Variant type: single nucleotide variant.
Coding change: c.2713T>A on transcript NM_000553.6 (MANE Select); coding-DNA position 2713, T replaced by A.
Protein change: p.Ser905Thr; replaces serine 905 with threonine.
Molecular consequence: missense variant.
Genome position (GRCh38, 1-based): chr8:31,124,604, T>A. VCF-style: chr8-31124604-T-A. GRCh37 (hg19) VCF-style: chr8-30982120-T-A.
Other names: short protein forms S905T.
Identifiers: ClinVar variation 528174 (VCV000528174.3), dbSNP rs1554529187, ClinGen allele CA370917043.